The following is an entry in ClinVar:

ClinVar aggregate classification (germline): Likely pathogenic (1 of 4 stars; one submission).

Submission:

GeneDx
Classification: Likely pathogenic. Last evaluated: 2018-10-05. Review status: criteria provided, single submitter. Criteria: GeneDx Variant Classification (06012015). Collection method: clinical testing. Allele origin: germline. Affected: yes.
Comment: The c.534_555dup22 variant in the PURA gene has not been reported previously as a pathogenic variant nor as a benign variant, to our knowledge. The c.534_555dup22 variant causes a frameshift starting with codon Glutamine 186, changes this amino acid to a Tryptophan residue, and creates a premature Stop codon at position 22 of the new reading frame, denoted p.Gln186TrpfsX22. This variant causes the last 137 amino acids to be replaced by 21 incorrect amino acids and is predicted to cause loss of normal protein function through protein truncation. The c.534_555dup22 variant is not observed in large population cohorts (Lek et al., 2016). We interpret c.534_555dup22 as a likely pathogenic variant.

NM_005859.5(PURA):c.534_555dup (p.Gln186fs)

Gene: PURA (purine rich element binding protein A; plus strand). Cytogenetic location: 5q31.3.
Variant type: Duplication.
Coding change: c.534_555dup on transcript NM_005859.5 (MANE Select); coding-DNA positions 534 to 555, 22 bases duplicated (TGGCCTGGGCTCCACGCAGGGC).
Protein change: p.Gln186fs; shifts the reading frame from glutamine 186.
Molecular consequence: frameshift variant.
Genome position (GRCh38, 1-based): chr5:140,114,715-140,114,736, TGGCCTGGGCTCCACGCAGGGC duplicated; duplicating any 22 consecutive bases within chr5:140,114,714-140,114,736 gives the same sequence; the c. name uses the placement nearest the transcript's 3' end. VCF-style (leftmost placement, unchanged base first): chr5-140114713-C-CCTGGCCTGGGCTCCACGCAGGG. GRCh37 (hg19) VCF-style: chr5-139494298-C-CCTGGCCTGGGCTCCACGCAGGG.
Other names: short protein forms Q186fs.
Identifiers: ClinVar variation 817850 (VCV000817850.1), dbSNP rs1581036474, ClinGen allele CA915942640.